The following is an entry in ClinVar:

ClinVar aggregate classification (germline): Likely pathogenic. Review status: criteria provided, single submitter (1 of 4 stars). 2 submissions from 2 submitters: Likely pathogenic (1). 1 of the submissions does not count toward it. Last evaluated 2024-06-01.

Conditions:
Angioedema. Identifiers: MedGen C0002994, MeSH D000799, MONDO:0010481, HP:0100665.
Hereditary angioedema type 1 (HAE1). Identifiers: Orphanet 100050, Orphanet 100051, Orphanet 91378, MedGen C2717906, MONDO:0015053, OMIM 106100.

Submissions (2):

DNA-diagnostics Laboratory, Research Centre For Medical Genetics
Classification: Likely pathogenic for Angioedema. Last evaluated: 2024-06-01. Review status: criteria provided, single submitter. Criteria: ACMG Guidelines, 2015. Collection method: research. Allele origin: germline. Inheritance: Autosomal dominant inheritance. Affected: yes. Observed: 3 variant alleles, 3 heterozygotes.
Comment: According to our observation and the published information of Steiner et all, 2017 and Ponard et all, 2020, the c.587T>A variant in SERPING1 meets ACMG/ClinGen SVI guidance criteria to be classified as likely pathogenic: PS4_Mod, PP1_Mod, PP4_Mod, PP2, PM2_Sup

Central Haematology Laboratory, Luzerner Kantonsspital
Classification: Uncertain significance for Hereditary angioedema type 1. Last evaluated: 2013-10-07. Review status: no assertion criteria provided. Collection method: research. Allele origin: inherited. Affected: yes. Observed: 2 variant alleles. Not counted in ClinVar's aggregate classification.

Literature cited by the submitters: DOI 10.1111/cei.12941 (cited by DNA-diagnostics Laboratory, Research Centre For Medical Genetics); DOI 10.1002/humu.23917 (cited by DNA-diagnostics Laboratory, Research Centre For Medical Genetics); PubMed 28194776 (cited by Central Haematology Laboratory, Luzerner Kantonsspital).

NM_000062.3(SERPING1):c.587T>A (p.Ile196Asn)

Gene: SERPING1 (serpin family G member 1; plus strand). Cytogenetic location: 11q12.1.
Variant type: single nucleotide variant.
Coding change: c.587T>A on transcript NM_000062.3 (MANE Select); coding-DNA position 587, T replaced by A.
Protein change: p.Ile196Asn; replaces isoleucine 196 with asparagine.
Molecular consequence: missense variant.
Genome position (GRCh38, 1-based): chr11:57,602,071, T>A. VCF-style: chr11-57602071-T-A. GRCh37 (hg19) VCF-style: chr11-57369544-T-A.
Other names: c.587T>A, p.Ile196Asn (NM_001032295.2); short protein forms I196N.
Identifiers: ClinVar variation 252940 (VCV000252940.3), dbSNP rs1554995255, ClinGen allele CA380696895.